The following is an entry in ClinVar:

NM_022455.5(NSD1):c.7425C>G (p.Val2475=)

Gene: NSD1 (nuclear receptor binding SET domain protein 1; plus strand). Cytogenetic location: 5q35.3.
Variant type: single nucleotide variant.
Coding change: c.7425C>G on transcript NM_022455.5 (MANE Select); coding-DNA position 7425, C replaced by G.
Protein change: p.Val2475=; no amino-acid change (valine 2475 retained).
Molecular consequence: synonymous variant.
Genome position (GRCh38, 1-based): chr5:177,294,793, C>G. VCF-style: chr5-177294793-C-G. GRCh37 (hg19) VCF-style: chr5-176721794-C-G.
Other names: c.6552C>G, p.Val2184= (NM_001365684.2, NM_001409308.1, NM_172349.5); c.7425C>G, p.Val2475= (NM_001409301.1, NM_001409302.1, NM_001409303.1); c.7005C>G, p.Val2335= (NM_001409304.1); c.6672C>G, p.Val2224= (NM_001409305.1); c.6663C>G, p.Val2221= (NM_001409306.1, NM_001409307.1); c.6303C>G, p.Val2101= (NM_001409309.1).
Identifiers: ClinVar variation 4873173 (VCV004873173.2).
Genomic context (GRCh38, chr5:177,294,793, plus strand): 5'-GATGGATCTCATAGACCTAACTCCTCGCCAGAAGGAGCGGGCAGCTTCACCTCATCAGGT[C>G]ACACCACAGGCTGATGAGAAGATGCCAGTGTTGGAGTCAAGTTCATGGCCTGCCAGCAAA-3'
Protein context (NP_071900.2, residues 2465-2485): QKERAASPHQ[Val2475=]TPQADEKMPV

ClinVar aggregate classification (germline): Likely benign (1 of 4 stars; one submission).

Submission:

CeGaT Center for Human Genetics Tuebingen
Classification: Likely benign. Last evaluated: 2026-09-01. Review status: criteria provided, single submitter. Criteria: CeGaT Center For Human Genetics Tuebingen Variant Classification Criteria Version 2. Collection method: clinical testing. Allele origin: germline. Affected: yes. Observed: 2 variant alleles.
Comment: NSD1: PM2:Supporting, BP4, BP7